The following is an entry in ClinVar:

ClinVar aggregate classification (germline): Uncertain significance. Review status: criteria provided, multiple submitters, no conflicts (2 of 4 stars). 3 submissions from 3 submitters: Uncertain significance (3). Last evaluated 2025-01-11.

Conditions:
Hereditary cancer-predisposing syndrome. Also called: Hereditary neoplastic syndrome; Hereditary Cancer Syndrome; Tumor predisposition; Neoplastic Syndromes, Hereditary. Identifiers: Orphanet 140162, MedGen C0027672, MeSH D009386, MONDO:0015356.
Hereditary pheochromocytoma and paraganglioma. Also called: Hereditary pheochromocytoma-paraganglioma; Hereditary Paraganglioma-Pheochromocytoma Syndromes; Hereditary paragangliomas and pheochromocytomas. Identifiers: Orphanet 29072, MedGen C4274332, MONDO:0017366.

Submissions (3):

Labcorp Genetics (formerly Invitae), Labcorp
Classification: Uncertain significance for Hereditary pheochromocytoma and paraganglioma. Last evaluated: 2025-01-11. Review status: criteria provided, single submitter. Criteria: Invitae Variant Classification Sherloc (09022015). Collection method: clinical testing. Allele origin: germline.
Comment: This sequence change replaces proline, which is neutral and non-polar, with histidine, which is basic and polar, at codon 219 of the TMEM127 protein (p.Pro219His). This variant is not present in population databases (gnomAD no frequency). This variant has not been reported in the literature in individuals affected with TMEM127-related conditions. ClinVar contains an entry for this variant (Variation ID: 1015866). An algorithm developed to predict the effect of missense changes on protein structure and function (PolyPhen-2) suggests that this variant is likely to be tolerated. In summary, the available evidence is currently insufficient to determine the role of this variant in disease. Therefore, it has been classified as a Variant of Uncertain Significance.

Ambry Genetics
Classification: Uncertain significance for Hereditary cancer-predisposing syndrome. Last evaluated: 2024-01-18. Review status: criteria provided, single submitter. Criteria: Ambry Variant Classification Scheme 2023. Collection method: clinical testing. Allele origin: germline.
Comment: The p.P219H variant (also known as c.656C>A), located in coding exon 3 of the TMEM127 gene, results from a C to A substitution at nucleotide position 656. The proline at codon 219 is replaced by histidine, an amino acid with similar properties. This amino acid position is well conserved in available vertebrate species. In addition, the in silico prediction for this alteration is inconclusive. Since supporting evidence is limited at this time, the clinical significance of this alteration remains unclear.

Sema4
Classification: Uncertain significance for Hereditary cancer-predisposing syndrome. Last evaluated: 2021-12-13. Review status: criteria provided, single submitter. Criteria: Sema4 Curation Guidelines. Collection method: curation. Allele origin: germline.
Comment: The TMEM127 c.656C>A (p.P219H) variant has not been reported in the literature to our knowledge. It was not observed in the large and broad cohorts of the Genome Aggregation Database, but it has been reported in ClinVar (Variation ID: 1015866). Functional studies have not been performed, and in silico predictions of the variant's effect on protein function are inconclusive. The evidence is insufficient to meet ACMG/AMP criteria for classifying the variant as benign or pathogenic. Thus, the clinical significance of this variant is currently uncertain.

NM_017849.4(TMEM127):c.656C>A (p.Pro219His)

Gene: TMEM127 (transmembrane protein 127; minus strand). Cytogenetic location: 2q11.2.
Variant type: single nucleotide variant.
Coding change: c.656C>A on transcript NM_017849.4 (MANE Select); coding-DNA position 656, C replaced by A.
Protein change: p.Pro219His; replaces proline 219 with histidine.
Molecular consequence: missense variant.
Genome position (GRCh38, 1-based): chr2:96,253,869, G>T on the plus strand (C>A on the coding strand, the complement: TMEM127 is on the minus strand). VCF-style: chr2-96253869-G-T. GRCh37 (hg19) VCF-style: chr2-96919607-G-T.
Other names: c.656C>A, p.Pro219His (NM_001193304.3); short protein forms P219H.
Identifiers: ClinVar variation 1015866 (VCV001015866.11), dbSNP rs1684141855, ClinGen allele CA347651499.
Genomic context (GRCh38, chr2:96,253,869, plus strand): 5'-TAGGGTGTGTAAGCAGGGGGTGGCTGGAACTGGTTGATGACCTCATATTCCGCCGGGTAG[G>T]GCTCGTTCTCTTCCATCTCTGAGAGCAGCTCCAGCGCCTGCTCCTCTTCCTCTGTGGGGT-3'
Protein context (NP_060319.1, residues 209-229): ELLSEMEENE[Pro219His]YPAEYEVINQ